The following is an entry in ClinVar:

ClinVar aggregate classification (germline): Conflicting classifications of pathogenicity. Review status: criteria provided, conflicting classifications (1 of 4 stars). 5 submissions from 5 submitters: Uncertain significance (3); Likely benign (2). Last evaluated 2026-07-01.

Conditions:
Developmental and epileptic encephalopathy, 11 (DEE11). Also called: Early infantile epileptic encephalopathy 11. Identifiers: Orphanet 1934, MedGen C3150987, MONDO:0013388, OMIM 613721.
Seizures, benign familial infantile, 3 (BFIS3). Also called: CONVULSIONS, BENIGN FAMILIAL INFANTILE, 3; Familial neonatal seizures. Identifiers: Orphanet 140927, Orphanet 306, MedGen C1843140, MONDO:0011904, OMIM 607745.
Inborn genetic diseases. Identifiers: MedGen C0950123, MeSH D030342.

Allele frequency attached by ClinVar (database versions not stated): TOPMed below 0.00001; gnomAD exomes 0.00001.
gnomAD v4.1: 3 of 1,613,658 alleles (0.00019%); highest among the groups gnomAD compares: Non-Finnish European, 0.00025%; no homozygotes.

Submissions (5):

CeGaT Center for Human Genetics Tuebingen
Classification: Uncertain significance. Last evaluated: 2026-07-01. Review status: criteria provided, single submitter. Criteria: CeGaT Center For Human Genetics Tuebingen Variant Classification Criteria Version 2. Collection method: clinical testing. Allele origin: germline. Affected: yes. Observed: 3 variant alleles.
Comment: SCN2A: PM2, BP4

Ambry Genetics
Classification: Likely benign for Inborn genetic diseases. Last evaluated: 2024-07-07. Review status: criteria provided, single submitter. Criteria: Ambry Variant Classification Scheme 2023. Collection method: clinical testing. Allele origin: germline.

Labcorp Genetics (formerly Invitae), Labcorp
Classification: Uncertain significance for Seizures, benign familial infantile, 3; Developmental and epileptic encephalopathy, 11. Last evaluated: 2024-06-02. Review status: criteria provided, single submitter. Criteria: Invitae Variant Classification Sherloc (09022015). Collection method: clinical testing. Allele origin: germline.
Comment: This sequence change replaces threonine, which is neutral and polar, with alanine, which is neutral and non-polar, at codon 662 of the SCN2A protein (p.Thr662Ala). This variant is not present in population databases (gnomAD no frequency). This variant has not been reported in the literature in individuals affected with SCN2A-related conditions. ClinVar contains an entry for this variant (Variation ID: 206962). Advanced modeling of protein sequence and biophysical properties (such as structural, functional, and spatial information, amino acid conservation, physicochemical variation, residue mobility, and thermodynamic stability) performed at Invitae indicates that this missense variant is not expected to disrupt SCN2A protein function with a negative predictive value of 95%. In summary, the available evidence is currently insufficient to determine the role of this variant in disease. Therefore, it has been classified as a Variant of Uncertain Significance.

Illumina Laboratory Services, Illumina
Classification: Uncertain significance for Seizures, benign familial infantile, 3. Last evaluated: 2018-01-13. Review status: criteria provided, single submitter. Criteria: ICSL Variant Classification Criteria 13 December 2019. Collection method: clinical testing. Allele origin: germline.

GeneDx
Classification: Likely benign. Last evaluated: 2013-06-20. Review status: criteria provided, single submitter. Criteria: GeneDx Variant Classification (06012015). Collection method: clinical testing. Allele origin: germline. Affected: yes.
Comment: This variant is considered likely benign or benign based on one or more of the following criteria: it is a conservative change, it occurs at a poorly conserved position in the protein, it is predicted to be benign by multiple in silico algorithms, and/or has population frequency not consistent with disease.

NM_001040142.2(SCN2A):c.1984A>G (p.Thr662Ala)

Gene: SCN2A (sodium voltage-gated channel alpha subunit 2; plus strand). Cytogenetic location: 2q24.3.
Variant type: single nucleotide variant.
Coding change: c.1984A>G on transcript NM_001040142.2 (MANE Select); coding-DNA position 1984, A replaced by G.
Protein change: p.Thr662Ala; replaces threonine 662 with alanine.
Molecular consequence: missense variant.
Genome position (GRCh38, 1-based): chr2:165,323,468, A>G. VCF-style: chr2-165323468-A-G. GRCh37 (hg19) VCF-style: chr2-166179978-A-G.
Other names: p.T662A:ACC>GCC; c.1984A>G, p.Thr662Ala (NM_001040143.2, NM_001371246.1, NM_001371247.1 and 1 more transcripts); short protein forms T662A.
Identifiers: ClinVar variation 206962 (VCV000206962.39), dbSNP rs796053111, ClinGen allele CA317862.
Genomic context (GRCh38, chr2:165,323,468, plus strand): 5'-GGGAAGATGCATAGCGCTGTGGACTGCAATGGTGTGGTCTCCCTGGTCGGGGGCCCTTCT[A>G]CCCTCACATCTGCTGGGCAGCTCCTACCAGAGGTGAGGCCAATTAAAATTGCAGCTGATG-3'
Protein context (NP_001035232.1, residues 652-672): GVVSLVGGPS[Thr662Ala]LTSAGQLLPE